The following is an entry in ClinVar:

ClinVar aggregate classification (germline): Uncertain significance (1 of 4 stars; one submission).

Conditions:
Dilated cardiomyopathy 1G (CMD1G). Identifiers: Orphanet 154, MedGen C1858763, MONDO:0011400, OMIM 604145.
Autosomal recessive limb-girdle muscular dystrophy type 2J (LGMDR10). Also called: Limb-girdle muscular dystrophy, type 2J; MUSCULAR DYSTROPHY, LIMB-GIRDLE, AUTOSOMAL RECESSIVE 10. Identifiers: Orphanet 140922, MedGen C1837342, MONDO:0012127, OMIM 608807.

Allele frequency attached by ClinVar (database versions not stated): gnomAD exomes below 0.00001.
gnomAD v4.1: 1 of 1,603,846 alleles (0.000062%); highest among the groups gnomAD compares: Non-Finnish European, 0.000085%; no homozygotes.

Submission:

Labcorp Genetics (formerly Invitae), Labcorp
Classification: Uncertain significance for Dilated cardiomyopathy 1G; Autosomal recessive limb-girdle muscular dystrophy type 2J. Last evaluated: 2022-04-15. Review status: criteria provided, single submitter. Criteria: Invitae Variant Classification Sherloc (09022015). Collection method: clinical testing. Allele origin: germline.
Comment: In summary, the available evidence is currently insufficient to determine the role of this variant in disease. Therefore, it has been classified as a Variant of Uncertain Significance. This variant is located in the M band of TTN (PMID: 25589632). Variants in this region may be relevant for neuromuscular disorders, but have not been definitively shown to cause cardiomyopathy (PMID: 23975875). Experimental studies and prediction algorithms are not available or were not evaluated, and the functional significance of this variant is currently unknown. This variant has not been reported in the literature in individuals affected with TTN-related conditions. This variant is not present in population databases (gnomAD no frequency). This sequence change replaces asparagine, which is neutral and polar, with lysine, which is basic and polar, at codon 35496 of the TTN protein (p.Asn35496Lys).

Literature cited by the submitters: PubMed 25589632; PubMed 23975875.

NM_001267550.2(TTN):c.106488T>A (p.Asn35496Lys)

Genes: TTN (titin; minus strand), TTN-AS1 (TTN antisense RNA 1; plus strand). Cytogenetic location: 2q31.2.
Variant type: single nucleotide variant.
Coding change: c.106488T>A on transcript NM_001267550.2 (MANE Select); coding-DNA position 106488, T replaced by A.
Protein change: p.Asn35496Lys; replaces asparagine 35496 with lysine.
Molecular consequence: missense variant.
Genome position (GRCh38, 1-based): chr2:178,530,003, A>T on the plus strand (T>A on the coding strand, the complement: TTN is on the minus strand). VCF-style: chr2-178530003-A-T. GRCh37 (hg19) VCF-style: chr2-179394730-A-T.
Other names: c.101565T>A, p.Asn33855Lys (NM_001256850.1); c.79293T>A, p.Asn26431Lys (NM_003319.4); c.98784T>A, p.Asn32928Lys (NM_133378.4); c.79668T>A, p.Asn26556Lys (NM_133432.3); c.79869T>A, p.Asn26623Lys (NM_133437.4); short protein forms N26431K, N35496K, N26623K, N32928K, N26556K, N33855K.
Identifiers: ClinVar variation 2126597 (VCV002126597.4), dbSNP rs2468349649, ClinGen allele CA349405088.
Genomic context (GRCh38, chr2:178,530,003, plus strand): 5'-AACAAAAGCCAACCTACCTTTTATTGTTAATTTGCAGCTAGAGGACACAGATCCAGCTGA[A>T]TTTTTTACTGTACAAGTATAAAGTCCACTGTCAGAAGTATCAGTCTTATGAATTTCTAAG-3'
Protein context (NP_001254479.2, residues 35486-35506): DSGLYTCTVK[Asn35496Lys]SAGSVSSSCK